The following is an entry in ClinVar:

ClinVar aggregate classification (germline): Uncertain significance. Review status: criteria provided, multiple submitters, no conflicts (2 of 4 stars). 3 submissions from 3 submitters: Uncertain significance (3). Last evaluated 2024-03-08.

Conditions:
Progressive sclerosing poliodystrophy (MTDPS4A). Also called: ALPERS PROGRESSIVE INFANTILE POLIODYSTROPHY; Alpers-Huttenlocher Syndrome (AHS); NEURONAL DEGENERATION OF CHILDHOOD WITH LIVER DISEASE, PROGRESSIVE; Mitochondrial DNA depletion syndrome 4A (Alpers type); Mitochondrial DNA Depletion Syndrome 4A; Alpers Syndrome. Identifiers: Orphanet 726, MedGen C0205710, MONDO:0008758, OMIM 203700.

Submissions (3):

GeneDx
Classification: Uncertain significance. Last evaluated: 2024-03-08. Review status: criteria provided, single submitter. Criteria: GeneDx Variant Classification Process June 2021. Collection method: clinical testing. Allele origin: germline. Affected: yes.
Comment: Not observed at significant frequency in large population cohorts (gnomAD); In silico analysis supports that this missense variant does not alter protein structure/function; Has not been previously published as pathogenic or benign to our knowledge

Labcorp Genetics (formerly Invitae), Labcorp
Classification: Uncertain significance for Progressive sclerosing poliodystrophy. Last evaluated: 2022-09-14. Review status: criteria provided, single submitter. Criteria: Invitae Variant Classification Sherloc (09022015). Collection method: clinical testing. Allele origin: germline.
Comment: This sequence change replaces arginine, which is basic and polar, with leucine, which is neutral and non-polar, at codon 40 of the POLG protein (p.Arg40Leu). This variant is not present in population databases (gnomAD no frequency). This variant has not been reported in the literature in individuals affected with POLG-related conditions. ClinVar contains an entry for this variant (Variation ID: 1163976). Advanced modeling of protein sequence and biophysical properties (such as structural, functional, and spatial information, amino acid conservation, physicochemical variation, residue mobility, and thermodynamic stability) performed at Invitae indicates that this missense variant is not expected to disrupt POLG protein function. In summary, the available evidence is currently insufficient to determine the role of this variant in disease. Therefore, it has been classified as a Variant of Uncertain Significance.

Mayo Clinic Laboratories, Mayo Clinic
Classification: Uncertain significance. Last evaluated: 2020-01-08. Review status: criteria provided, single submitter. Criteria: ACMG Guidelines, 2015. Collection method: clinical testing. Allele origin: germline. Observed: 1 variant allele.

NM_002693.3(POLG):c.119G>T (p.Arg40Leu)

Genes: POLG (DNA polymerase gamma, catalytic subunit; minus strand), POLGARF (POLG alternative reading frame; minus strand). Cytogenetic location: 15q26.1.
Variant type: single nucleotide variant.
Coding change: c.119G>T on transcript NM_002693.3 (MANE Select); coding-DNA position 119, G replaced by T.
Protein change: p.Arg40Leu; replaces arginine 40 with leucine.
Molecular consequence: missense variant.
Genome position (GRCh38, 1-based): chr15:89,333,636, C>A on the plus strand (G>T on the coding strand, the complement: POLG is on the minus strand). VCF-style: chr15-89333636-C-A. GRCh37 (hg19) VCF-style: chr15-89876867-C-A.
Other names: c.119G>T, p.Arg40Leu (NM_001126131.2); short protein forms R40L.
Identifiers: ClinVar variation 1163976 (VCV001163976.10), dbSNP rs200946722, ClinGen allele CA393774633.
Genomic context (GRCh38, chr15:89,333,636, plus strand): 5'-TGCGGCTGCTGAGGCTGCTGTTGCTGCTGCTGCTGCTGCTGCTGCTGCTGCTGCCGCCGC[C>A]GCTGCCCGTCGCTGGGGTCGGACGCGGGGACGGAGCTGGAGACCCAGCGCCCCGGAGCTG-3'
Protein context (NP_002684.1, residues 30-50): VPASDPSDGQ[Arg40Leu]RRQQQQQQQQ